The following is an entry in ClinVar:

NM_000091.5(COL4A3):c.3607C>T (p.Pro1203Ser)

Genes: COL4A3 (collagen type IV alpha 3 chain; plus strand), MFF-DT (MFF divergent transcript; minus strand). Cytogenetic location: 2q36.3.
Variant type: single nucleotide variant.
Coding change: c.3607C>T on transcript NM_000091.5 (MANE Select); coding-DNA position 3607, C replaced by T.
Protein change: p.Pro1203Ser; replaces proline 1203 with serine.
Molecular consequence: missense variant.
Genome position (GRCh38, 1-based): chr2:227,297,715, C>T. VCF-style: chr2-227297715-C-T. GRCh37 (hg19) VCF-style: chr2-228162431-C-T.
Other names: short protein forms P1203S.
Identifiers: ClinVar variation 1704907 (VCV001704907.2), dbSNP rs200884685, ClinGen allele CA2147308.
Genomic context (GRCh38, chr2:227,297,715, plus strand): 5'-TAAGCCTTCTTCTTTGCAGGAGCCAAAGGAGACAGGGGAGCCCCAGGTTTTCCTGGCCTC[C>T]CGGGCAGAAAAGGGGCCATGGGAGATGCTGGACCTCGAGGACCCACAGGCATAGAAGGAT-3'
Protein context (NP_000082.2, residues 1193-1213): DRGAPGFPGL[Pro1203Ser]GRKGAMGDAG

ClinVar aggregate classification (germline): Uncertain significance (1 of 4 stars; one submission).

Allele frequency attached by ClinVar (database versions not stated): ExAC 0.00001; TOPMed 0.00001; gnomAD 0.00003; 1000 Genomes Project 30x 0.00016; 1000 Genomes Project 0.00020.
gnomAD v4.1: 11 of 1,608,658 alleles (0.00068%); highest among the groups gnomAD compares: Admixed American, 0.012%; no homozygotes.

Submission:

GeneDx
Classification: Uncertain significance. Last evaluated: 2022-03-07. Review status: criteria provided, single submitter. Criteria: GeneDx Variant Classification Process June 2021. Collection method: clinical testing. Allele origin: germline. Affected: yes.
Comment: In silico analysis supports that this missense variant has a deleterious effect on protein structure/function; Occurs in the triple helical domain at the Y position in the canonical Gly-X-Y repeat; although this variant may have an effect on normal protein folding and function, missense substitution at the Y position is not a common mechanism of disease; Has not been previously published as pathogenic or benign to our knowledge